The following is an entry in ClinVar:

NM_003571.4(BFSP2):c.366G>A (p.Val122=)

Gene: BFSP2 (beaded filament structural protein 2; plus strand). Cytogenetic location: 3q22.1.
Variant type: single nucleotide variant.
Coding change: c.366G>A on transcript NM_003571.4 (MANE Select); coding-DNA position 366, G replaced by A.
Protein change: p.Val122=; no amino-acid change (valine 122 retained).
Molecular consequence: synonymous variant.
Genome position (GRCh38, 1-based): chr3:133,400,449, G>A. VCF-style: chr3-133400449-G-A. GRCh37 (hg19) VCF-style: chr3-133119293-G-A.
Identifiers: ClinVar variation 343403 (VCV000343403.14), dbSNP rs139476224, ClinGen allele CA2623234.
Genomic context (GRCh38, chr3:133,400,449, plus strand): 5'-GAGGGACCATGGTGCTGTTGAGGACCTAGGGGGCTGCCTGGTGGAATATATGGCCAAAGT[G>A]CACGCCCTTGAGCAAGTCAGTCAGGAGCTGGAAACACAACTGCGGATGCACCTGGAGAGC-3'
Protein context (NP_003562.1, residues 112-132): GGCLVEYMAK[Val122=]HALEQVSQEL

ClinVar aggregate classification (germline): Benign/Likely benign. Review status: criteria provided, multiple submitters, no conflicts (2 of 4 stars). 3 submissions from 3 submitters: Benign (2); Likely benign (1). Last evaluated 2024-10-25.

Conditions:
Cataract 12 multiple types. Identifiers: Orphanet 91492, MedGen C3808115, MONDO:0012701, OMIM 611597.

Allele frequency attached by ClinVar (database versions not stated): 1000 Genomes Project 30x 0.00016; 1000 Genomes Project 0.00020; ESP Exome Variant Server 0.00069; TOPMed 0.00076; gnomAD 0.00078 and 0.00079; gnomAD exomes 0.00099; ExAC 0.00135.
gnomAD v4.1: 1,581 of 1,614,036 alleles (0.098%); highest among the groups gnomAD compares: Non-Finnish European, 0.12%; 3 homozygotes.

Submissions (3):

Blueprint Genetics
Classification: Likely benign. Last evaluated: 2024-10-25. Review status: criteria provided, single submitter. Criteria: ACMG Guidelines, 2015. Collection method: clinical testing. Allele origin: germline.

Labcorp Genetics (formerly Invitae), Labcorp
Classification: Benign for Cataract 12 multiple types. Last evaluated: 2021-07-17. Review status: criteria provided, single submitter. Criteria: Invitae Variant Classification Sherloc (09022015). Collection method: clinical testing. Allele origin: germline.

Illumina Laboratory Services, Illumina
Classification: Benign for Cataract 12 multiple types. Last evaluated: 2018-01-13. Review status: criteria provided, single submitter. Criteria: ICSL Variant Classification Criteria 13 December 2019. Collection method: clinical testing. Allele origin: germline.
Comment: This variant was observed in the ICSL laboratory as part of a predisposition screen in an ostensibly healthy population. It had not been previously curated by ICSL or reported in the Human Gene Mutation Database (HGMD: prior to June 1st, 2018), and was therefore a candidate for classification through an automated scoring system. Utilizing variant allele frequency, disease prevalence and penetrance estimates, and inheritance mode, an automated score was calculated to assess if this variant is too frequent to cause the disease. Based on the score and internal cut-off values, a variant classified as benign is not then subjected to further curation. The score for this variant resulted in a classification of benign for this disease.